The following is an entry in ClinVar:

ClinVar aggregate classification (germline): Uncertain significance. Review status: criteria provided, multiple submitters, no conflicts (2 of 4 stars). 2 submissions from 2 submitters: Uncertain significance (2). Last evaluated 2025-02-22.

Conditions:
Inborn genetic diseases. Identifiers: MedGen C0950123, MeSH D030342.

Allele frequency attached by ClinVar (database versions not stated): gnomAD exomes 0.00002; gnomAD 0.00005; ExAC 0.00006; TOPMed 0.00007; ESP Exome Variant Server 0.00008.
gnomAD v4.1: 33 of 1,614,024 alleles (0.002%); highest among the groups gnomAD compares: African/African-American, 0.021%; no homozygotes.

Submissions (2):

Ambry Genetics
Classification: Uncertain significance for Inborn genetic diseases. Last evaluated: 2025-02-22. Review status: criteria provided, single submitter. Criteria: Ambry Variant Classification Scheme 2023. Collection method: clinical testing. Allele origin: germline.

Labcorp Genetics (formerly Invitae), Labcorp
Classification: Uncertain significance. Last evaluated: 2022-01-15. Review status: criteria provided, single submitter. Criteria: Invitae Variant Classification Sherloc (09022015). Collection method: clinical testing. Allele origin: germline.
Comment: This sequence change replaces arginine, which is basic and polar, with glutamine, which is neutral and polar, at codon 659 of the TARS2 protein (p.Arg659Gln). This variant is present in population databases (rs370297728, gnomAD 0.03%). This variant has not been reported in the literature in individuals affected with TARS2-related conditions. Algorithms developed to predict the effect of missense changes on protein structure and function output the following: SIFT: "Tolerated"; PolyPhen-2: "Benign"; Align-GVGD: "Class C0". The glutamine amino acid residue is found in multiple mammalian species, which suggests that this missense change does not adversely affect protein function. In summary, the available evidence is currently insufficient to determine the role of this variant in disease. Therefore, it has been classified as a Variant of Uncertain Significance.

NM_025150.5(TARS2):c.1976G>A (p.Arg659Gln)

Gene: TARS2 (threonyl-tRNA synthetase 2, mitochondrial; plus strand). Cytogenetic location: 1q21.2.
Variant type: single nucleotide variant.
Coding change: c.1976G>A on transcript NM_025150.5 (MANE Select); coding-DNA position 1976, G replaced by A.
Protein change: p.Arg659Gln; replaces arginine 659 with glutamine.
Molecular consequence: missense variant. On other transcripts: non-coding transcript variant (2).
Genome position (GRCh38, 1-based): chr1:150,505,673, G>A. VCF-style: chr1-150505673-G-A. GRCh37 (hg19) VCF-style: chr1-150478149-G-A.
Other names: c.1730G>A, p.Arg577Gln (NM_001271895.2); c.1586G>A, p.Arg529Gln (NM_001271896.2); c.1976G>A (NM_025150.3); short protein forms R577Q, R659Q, R529Q.
Identifiers: ClinVar variation 2173623 (VCV002173623.4), dbSNP rs370297728, ClinGen allele CA1077208.